The following is an entry in ClinVar:

ClinVar aggregate classification (germline): Uncertain significance. Review status: criteria provided, multiple submitters, no conflicts (2 of 4 stars). 4 submissions from 4 submitters: Uncertain significance (4). Last evaluated 2026-01-19.

Conditions:
Developmental and epileptic encephalopathy, 62. Also called: Early infantile epileptic encephalopathy 62. Identifiers: MedGen C4693699, MONDO:0033371, OMIM 617938.
Epilepsy, familial focal, with variable foci 4 (FFEVF4). Identifiers: MedGen C4693694, MONDO:0054776, OMIM 617935.
Inborn genetic diseases. Identifiers: MedGen C0950123, MeSH D030342.

Allele frequency attached by ClinVar (database versions not stated): TOPMed 0.00001; ExAC 0.00003.
gnomAD v4.1: 31 of 1,614,012 alleles (0.0019%); highest among the groups gnomAD compares: Middle Eastern, 0.033%; no homozygotes.

Submissions (4):

Labcorp Genetics (formerly Invitae), Labcorp
Classification: Uncertain significance. Last evaluated: 2026-01-19. Review status: criteria provided, single submitter. Criteria: Invitae Variant Classification Sherloc (09022015). Collection method: clinical testing. Allele origin: germline.
Comment: This sequence change replaces serine, which is neutral and polar, with arginine, which is basic and polar, at codon 283 of the SCN3A protein (p.Ser283Arg). This variant is present in population databases (rs747954941, gnomAD 0.005%). This missense change has been observed in individual(s) with clinical features of SCN3A-related conditions (internal data). ClinVar contains an entry for this variant (Variation ID: 939477). Invitae Evidence Modeling of protein sequence and biophysical properties (such as structural, functional, and spatial information, amino acid conservation, physicochemical variation, residue mobility, and thermodynamic stability) indicates that this missense variant is not expected to disrupt SCN3A protein function with a negative predictive value of 95%. In summary, the available evidence is currently insufficient to determine the role of this variant in disease. Therefore, it has been classified as a Variant of Uncertain Significance.

Ambry Genetics
Classification: Uncertain significance for Inborn genetic diseases. Last evaluated: 2024-08-20. Review status: criteria provided, single submitter. Criteria: Ambry Variant Classification Scheme 2023. Collection method: clinical testing. Allele origin: germline.

Department of Pathology and Laboratory Medicine, Sinai Health System
Classification: Uncertain significance for Epilepsy, familial focal, with variable foci 4; Developmental and epileptic encephalopathy, 62. Last evaluated: 2022-02-02. Review status: criteria provided, single submitter. Criteria: ACMG Guidelines, 2015. Collection method: research. Allele origin: germline.

CeGaT Center for Human Genetics Tuebingen
Classification: Uncertain significance. Last evaluated: 2021-07-01. Review status: criteria provided, single submitter. Criteria: CeGaT Center For Human Genetics Tuebingen Variant Classification Criteria Version 2. Collection method: clinical testing. Allele origin: germline. Affected: yes. Observed: 1 variant allele.

NM_006922.4(SCN3A):c.849C>G (p.Ser283Arg)

Gene: SCN3A (sodium voltage-gated channel alpha subunit 3; minus strand). Cytogenetic location: 2q24.3.
Variant type: single nucleotide variant.
Coding change: c.849C>G on transcript NM_006922.4 (MANE Select); coding-DNA position 849, C replaced by G.
Protein change: p.Ser283Arg; replaces serine 283 with arginine.
Molecular consequence: missense variant.
Genome position (GRCh38, 1-based): chr2:165,162,674, G>C on the plus strand (C>G on the coding strand, the complement: SCN3A is on the minus strand). VCF-style: chr2-165162674-G-C. GRCh37 (hg19) VCF-style: chr2-166019184-G-C.
Other names: c.849C>G, p.Ser283Arg (NM_001081676.2, NM_001081677.2); short protein forms S283R.
Identifiers: ClinVar variation 939477 (VCV000939477.44), dbSNP rs747954941, ClinGen allele CA1939324.